The following is an entry in ClinVar:

ClinVar aggregate classification (germline): Uncertain significance (1 of 4 stars; one submission).

Submission:

CeGaT Center for Human Genetics Tuebingen
Classification: Uncertain significance. Last evaluated: 2022-05-01. Review status: criteria provided, single submitter. Criteria: CeGaT Center For Human Genetics Tuebingen Variant Classification Criteria Version 2. Collection method: clinical testing. Allele origin: germline. Affected: yes. Observed: 1 variant allele.
Comment: SNAI2: PM2

NM_003068.5(SNAI2):c.589C>T (p.Pro197Ser)

Gene: SNAI2 (snail family transcriptional repressor 2; minus strand). Cytogenetic location: 8q11.21.
Variant type: single nucleotide variant.
Coding change: c.589C>T on transcript NM_003068.5 (MANE Select); coding-DNA position 589, C replaced by T.
Protein change: p.Pro197Ser; replaces proline 197 with serine.
Molecular consequence: missense variant.
Genome position (GRCh38, 1-based): chr8:48,919,932, G>A on the plus strand (C>T on the coding strand, the complement: SNAI2 is on the minus strand). VCF-style: chr8-48919932-G-A. GRCh37 (hg19) VCF-style: chr8-49832491-G-A.
Other names: short protein forms P197S.
Identifiers: ClinVar variation 1695230 (VCV001695230.31), dbSNP rs2117648564, ClinGen allele CA371183678.